The following is an entry in ClinVar:

NM_002834.5(PTPN11):c.809G>A (p.Arg270Lys)

Gene: PTPN11 (protein tyrosine phosphatase non-receptor type 11; plus strand). Cytogenetic location: 12q24.13.
Variant type: single nucleotide variant.
Coding change: c.809G>A on transcript NM_002834.5 (MANE Select); coding-DNA position 809, G replaced by A.
Protein change: p.Arg270Lys; replaces arginine 270 with lysine.
Molecular consequence: missense variant.
Genome position (GRCh38, 1-based): chr12:112,472,996, G>A. VCF-style: chr12-112472996-G-A. GRCh37 (hg19) VCF-style: chr12-112910800-G-A.
Other names: c.809G>A, p.Arg270Lys (NM_001330437.2, NM_080601.3); c.806G>A, p.Arg269Lys (NM_001374625.1); short protein forms R270K, R269K.
Identifiers: ClinVar variation 4614776 (VCV004614776.1).
Genomic context (GRCh38, chr12:112,472,996, plus strand): 5'-CTTTCCAGACACTACAACAACAGGAGTGCAAACTTCTCTACAGCCGAAAAGAGGGTCAAA[G>A]GCAAGAAAACAAAAACAAAAATAGATATAAAAACATCCTGCCCTGTAAGTATCAATATTC-3'
Protein context (NP_002825.3, residues 260-280): KLLYSRKEGQ[Arg270Lys]QENKNKNRYK

ClinVar aggregate classification (germline): Uncertain significance (1 of 4 stars; one submission).

Conditions:
Cardiovascular phenotype. Identifiers: MedGen CN230736.

Submission:

Ambry Genetics
Classification: Uncertain significance for Cardiovascular phenotype. Last evaluated: 2025-11-10. Review status: criteria provided, single submitter. Criteria: Ambry Variant Classification Scheme 2023. Collection method: clinical testing. Allele origin: germline.
Comment: The p.R270K variant (also known as c.809G>A), located in coding exon 7 of the PTPN11 gene, results from a G to A substitution at nucleotide position 809. The arginine at codon 270 is replaced by lysine, an amino acid with highly similar properties. This amino acid position is conserved. In addition, the in silico prediction for this alteration is inconclusive. Based on the available evidence, the clinical significance of this variant remains unclear.